The following is an entry in ClinVar:

NM_001377.3(DYNC2H1):c.11674_11678del (p.Ser3892fs)

Gene: DYNC2H1 (dynein cytoplasmic 2 heavy chain 1; plus strand). Cytogenetic location: 11q22.3.
Variant type: Deletion.
Coding change: c.11674_11678del on transcript NM_001377.3 (MANE Select); coding-DNA positions 11674 to 11678, 5 bases deleted (TCTTT; older notation c.11674_11678delTCTTT).
Protein change: p.Ser3892fs; shifts the reading frame from serine 3892.
Molecular consequence: frameshift variant.
Genome position (GRCh38, 1-based): chr11:103,316,569-103,316,573, TCTTT deleted; deleting any 5 consecutive bases within chr11:103,316,566-103,316,573 gives the same sequence; the c. name uses the placement nearest the transcript's 3' end. VCF-style (leftmost placement, unchanged base first): chr11-103316565-ATTTTC-A. GRCh37 (hg19) VCF-style: chr11-103187294-ATTTTC-A.
Other names: c.11695_11699del, p.Ser3899fs (NM_001080463.2); short protein forms S3892fs, S3899fs.
Identifiers: ClinVar variation 5015633 (VCV005015633.1).

ClinVar aggregate classification (germline): Pathogenic (1 of 4 stars; one submission).

Conditions:
Asphyxiating thoracic dystrophy 3. Also called: SHORT-RIB THORACIC DYSPLASIA 3 WITH OR WITHOUT POLYDACTYLY; POLYDACTYLY WITH NEONATAL CHONDRODYSTROPHY, TYPE I; SHORT-RIB THORACIC DYSPLASIA 3/6 WITH POLYDACTYLY, DIGENIC; Short rib polydactyly syndrome 2B; Saldino-Noonan Syndrome. Identifiers: Orphanet 474, Orphanet 93269, Orphanet 93270, Orphanet 93271, MedGen C0036069, MONDO:0013127, OMIM 613091.

Submission:

Myriad Genetics, Inc.
Classification: Pathogenic for Asphyxiating thoracic dystrophy 3. Last evaluated: 2026-03-04. Review status: criteria provided, single submitter. Criteria: Myriad Autosomal Dominant, Autosomal Recessive and X-Linked Classification Criteria (2023). Collection method: clinical testing. Allele origin: unknown.
Comment: NM_001377.2(DYNC2H1):c.11674_11678del5(S3892Ifs*11) is expected to be pathogenic in the context of DYNC2H1-related disorders. This variant is predicted to lead to an abnormal or absent protein product due to the creation of a premature termination codon in DYNC2H1, a gene where loss-of-function variants are known to be pathogenic. Please note: this variant was assessed in the context of healthy population screening.